The following is an entry in ClinVar:

ClinVar aggregate classification (germline): Uncertain significance. Review status: criteria provided, multiple submitters, no conflicts (2 of 4 stars). 3 submissions from 3 submitters: Uncertain significance (3). Last evaluated 2026-04-20.

Conditions:
Cardiovascular phenotype. Identifiers: MedGen CN230736.
Hypertrophic cardiomyopathy. Also called: HYPERTROPHIC MYOCARDIOPATHY. Identifiers: Orphanet 217569, MedGen C0007194, MeSH D002312, MONDO:0005045, HP:0001639.

Allele frequency attached by ClinVar (database versions not stated): TOPMed 0.00003; ESP Exome Variant Server 0.00008; gnomAD exomes 0.00001; gnomAD 0.00002.
gnomAD v4.1: 14 of 1,600,044 alleles (0.00087%); highest among the groups gnomAD compares: African/African-American, 0.015%; no homozygotes.

Submissions (3):

Ambry Genetics
Classification: Uncertain significance for Cardiovascular phenotype. Last evaluated: 2026-04-20. Review status: criteria provided, single submitter. Criteria: Ambry Variant Classification Scheme 2023. Collection method: clinical testing. Allele origin: germline.

Labcorp Genetics (formerly Invitae), Labcorp
Classification: Uncertain significance for Hypertrophic cardiomyopathy. Last evaluated: 2025-07-15. Review status: criteria provided, single submitter. Criteria: Invitae Variant Classification Sherloc (09022015). Collection method: clinical testing. Allele origin: germline.
Comment: This sequence change replaces alanine, which is neutral and non-polar, with threonine, which is neutral and polar, at codon 954 of the MYBPC3 protein (p.Ala954Thr). This variant is present in population databases (rs373744177, gnomAD 0.02%). This missense change has been observed in individual(s) with hypertrophic cardiomyopathy (PMID: 32841044, 33495597, 37652022). ClinVar contains an entry for this variant (Variation ID: 1483489). An algorithm developed to predict the effect of missense changes on protein structure and function (PolyPhen-2) suggests that this variant is likely to be tolerated. In summary, the available evidence is currently insufficient to determine the role of this variant in disease. Therefore, it has been classified as a Variant of Uncertain Significance.

All of Us Research Program, National Institutes of Health
Classification: Uncertain significance for Hypertrophic cardiomyopathy. Last evaluated: 2024-06-09. Review status: criteria provided, single submitter. Criteria: ACMG Guidelines, 2015. Collection method: clinical testing. Allele origin: germline. Inheritance: Autosomal dominant inheritance. Observed: 3 variant alleles, 3 heterozygotes.
Comment: This missense variant replaces alanine with threonine at codon 954 of the MYBPC3 protein. Computational prediction suggests that this variant may not impact protein structure and function (internally defined REVEL score threshold <= 0.5, PMID: 27666373). To our knowledge, functional studies have not been reported for this variant. This variant has been reported in an individual affected with hypertrophic cardiomyopathy (PMID: 32841044, 33495597). This variant has been identified in 3/234894 chromosomes in the general population by the Genome Aggregation Database (gnomAD). The available evidence is insufficient to determine the role of this variant in disease conclusively. Therefore, this variant is classified as a Variant of Uncertain Significance.

This study involves interpretation of variants in research participants for the purpose of population health screening. Participant phenotype was not available at the time of variant classification. Additional details can be found in publication PMID: 35346344, PMCID: PMC8962531

Literature cited by the submitters: PubMed 32841044 (cited by Labcorp Genetics (formerly Invitae), Labcorp and All of Us Research Program, National Institutes of Health); PubMed 33495597 (cited by Labcorp Genetics (formerly Invitae), Labcorp and All of Us Research Program, National Institutes of Health); PubMed 37652022 (cited by Labcorp Genetics (formerly Invitae), Labcorp).

NM_000256.3(MYBPC3):c.2860G>A (p.Ala954Thr)

Gene: MYBPC3 (myosin binding protein C3; minus strand). Cytogenetic location: 11p11.2.
Variant type: single nucleotide variant.
Coding change: c.2860G>A on transcript NM_000256.3 (MANE Select); coding-DNA position 2860, G replaced by A.
Protein change: p.Ala954Thr; replaces alanine 954 with threonine.
Molecular consequence: missense variant.
Genome position (GRCh38, 1-based): chr11:47,335,087, C>T on the plus strand (G>A on the coding strand, the complement: MYBPC3 is on the minus strand). VCF-style: chr11-47335087-C-T. GRCh37 (hg19) VCF-style: chr11-47356638-C-T.
Other names: short protein forms A954T.
Identifiers: ClinVar variation 1483489 (VCV001483489.11), dbSNP rs373744177, ClinGen allele CA013072.
Genomic context (GRCh38, chr11:47,335,087, plus strand): 5'-CAAAGGGGCACTCACGCAGGATCTCCTGCACTGTCACCGGCTCCGTGGTGGTAACAGGGG[C>T]TCCAGGCCCTGCCATATTGTGTGCCCGCACTCGGAAAAGCAGCCGGGCCCCCGTGGGCAG-3'
Protein context (NP_000247.2, residues 944-964): VRAHNMAGPG[Ala954Thr]PVTTTEPVTV